The following is an entry in ClinVar:

NM_000390.4(CHM):c.235_236del (p.Ile79fs)

Gene: CHM (CHM Rab escort protein; minus strand). Cytogenetic location: Xq21.2.
Variant type: Deletion.
Coding change: c.235_236del on transcript NM_000390.4 (MANE Select); coding-DNA positions 235 to 236, 2 bases deleted (AT; older notation c.235_236delAT).
Protein change: p.Ile79fs; shifts the reading frame from isoleucine 79.
Molecular consequence: frameshift variant. On other transcripts: 5 prime UTR variant (4).
Genome position (GRCh38, 1-based): chrX:85,978,845-85,978,846, AT deleted on the plus strand (AT on the coding strand, the reverse complement: CHM is on the minus strand). VCF-style (leftmost placement, unchanged base first): chrX-85978844-GAT-G. GRCh37 (hg19) VCF-style: chrX-85233848-GAT-G.
Other names: c.235_236del, p.Ile79fs (NM_001145414.4); c.-210_-209del (NM_001320959.1, NM_001362517.1); c.-206_-205del (NM_001362518.2, NM_001362519.1); short protein forms I79fs.
Identifiers: ClinVar variation 937325 (VCV000937325.8), dbSNP rs1931438937, ClinGen allele CA1139667691.

ClinVar aggregate classification (germline): Pathogenic/Likely pathogenic. Review status: criteria provided, multiple submitters, no conflicts (2 of 4 stars). 2 submissions from 2 submitters: Pathogenic (1); Likely pathogenic (1). Last evaluated 2024-02-24.

Conditions:
CHM-related disorders.

Submissions (2):

Labcorp Genetics (formerly Invitae), Labcorp
Classification: Pathogenic. Last evaluated: 2024-02-24. Review status: criteria provided, single submitter. Criteria: Invitae Variant Classification Sherloc (09022015). Collection method: clinical testing. Allele origin: germline.
Comment: This sequence change creates a premature translational stop signal (p.Ile79Profs*2) in the CHM gene. It is expected to result in an absent or disrupted protein product. Loss-of-function variants in CHM are known to be pathogenic (PMID: 9067750, 23811034). This variant is not present in population databases (gnomAD no frequency). This variant has not been reported in the literature in individuals affected with CHM-related conditions. ClinVar contains an entry for this variant (Variation ID: 937325). For these reasons, this variant has been classified as Pathogenic.

Blueprint Genetics
Classification: Likely pathogenic for CHM-related disorders. Last evaluated: 2018-08-07. Review status: criteria provided, single submitter. Criteria: ACMG Guidelines, 2015. Collection method: clinical testing. Allele origin: germline. Affected: yes. Observed: 1 variant allele.

Literature cited by the submitters: PubMed 9067750 (cited by Labcorp Genetics (formerly Invitae), Labcorp); PubMed 23811034 (cited by Labcorp Genetics (formerly Invitae), Labcorp).